The following is an entry in ClinVar:

NM_001297.5(CNGB1):c.1655G>A (p.Arg552His)

Gene: CNGB1 (cyclic nucleotide gated channel subunit beta 1; minus strand). Cytogenetic location: 16q21.
Variant type: single nucleotide variant.
Coding change: c.1655G>A on transcript NM_001297.5 (MANE Select); coding-DNA position 1655, G replaced by A.
Protein change: p.Arg552His; replaces arginine 552 with histidine.
Molecular consequence: missense variant.
Genome position (GRCh38, 1-based): chr16:57,920,533, C>T on the plus strand (G>A on the coding strand, the complement: CNGB1 is on the minus strand). VCF-style: chr16-57920533-C-T. GRCh37 (hg19) VCF-style: chr16-57954437-C-T.
Other names: c.1637G>A, p.Arg546His (NM_001286130.2); short protein forms R552H, R546H.
Identifiers: ClinVar variation 838192 (VCV000838192.13), dbSNP rs540261785, ClinGen allele CA8083337.

ClinVar aggregate classification (germline): Uncertain significance. Review status: criteria provided, multiple submitters, no conflicts (2 of 4 stars). 4 submissions from 4 submitters: Uncertain significance (4). Last evaluated 2026-04-23.

Conditions:
CNGB1-related disorder. Also called: CNGB1-related condition.
Inborn genetic diseases. Identifiers: MedGen C0950123, MeSH D030342.

Allele frequency attached by ClinVar (database versions not stated): gnomAD 0.00001 and 0.00002; gnomAD exomes 0.00002 and 0.00008; TOPMed 0.00004; ExAC 0.00008; 1000 Genomes Project 30x 0.00016; 1000 Genomes Project 0.00020.
gnomAD v4.1: 38 of 1,612,930 alleles (0.0024%); highest among the groups gnomAD compares: Admixed American, 0.02%; no homozygotes.

Submissions (4):

PreventionGenetics, part of Exact Sciences
Classification: Uncertain significance for CNGB1-related condition. Last evaluated: 2026-04-23. Review status: criteria provided, single submitter. Criteria: ACMG Guidelines, 2015. Collection method: clinical testing. Allele origin: germline.
Comment: The CNGB1 c.1655G>A variant is predicted to result in the amino acid substitution p.Arg552His. To our knowledge, this variant has not been reported in the literature. This variant is reported in 0.028% of alleles in individuals of Latino descent in gnomAD. At this time, the clinical significance of this variant is uncertain due to the absence of conclusive functional and genetic evidence.

Ambry Genetics
Classification: Uncertain significance for Inborn genetic diseases. Last evaluated: 2025-05-01. Review status: criteria provided, single submitter. Criteria: Ambry Variant Classification Scheme 2023. Collection method: clinical testing. Allele origin: germline.

Blueprint Genetics
Classification: Uncertain significance. Last evaluated: 2024-08-30. Review status: criteria provided, single submitter. Criteria: ACMG Guidelines, 2015. Collection method: clinical testing. Allele origin: germline.

Labcorp Genetics (formerly Invitae), Labcorp
Classification: Uncertain significance. Last evaluated: 2022-10-19. Review status: criteria provided, single submitter. Criteria: Invitae Variant Classification Sherloc (09022015). Collection method: clinical testing. Allele origin: germline.
Comment: This sequence change replaces arginine, which is basic and polar, with histidine, which is basic and polar, at codon 552 of the CNGB1 protein (p.Arg552His). This variant is present in population databases (rs540261785, gnomAD 0.03%). This variant has not been reported in the literature in individuals affected with CNGB1-related conditions. ClinVar contains an entry for this variant (Variation ID: 838192). Advanced modeling of protein sequence and biophysical properties (such as structural, functional, and spatial information, amino acid conservation, physicochemical variation, residue mobility, and thermodynamic stability) performed at Invitae indicates that this missense variant is not expected to disrupt CNGB1 protein function. In summary, the available evidence is currently insufficient to determine the role of this variant in disease. Therefore, it has been classified as a Variant of Uncertain Significance.